The following is an entry in ClinVar:

ClinVar aggregate classification (germline): Uncertain significance (1 of 4 stars; one submission).

Conditions:
Hypertrophic cardiomyopathy 14. Identifiers: MedGen C2750467, MONDO:0013197, OMIM 613251.

Submission:

Labcorp Genetics (formerly Invitae), Labcorp
Classification: Uncertain significance for Hypertrophic cardiomyopathy 14. Last evaluated: 2023-03-22. Review status: criteria provided, single submitter. Criteria: Invitae Variant Classification Sherloc (09022015). Collection method: clinical testing. Allele origin: germline.
Comment: In summary, the available evidence is currently insufficient to determine the role of this variant in disease. Therefore, it has been classified as a Variant of Uncertain Significance. This variant, c.1663_1665del, results in the deletion of 1 amino acid(s) of the MYH6 protein (p.Asp555del), but otherwise preserves the integrity of the reading frame. This variant is not present in population databases (gnomAD no frequency). This variant has not been reported in the literature in individuals affected with MYH6-related conditions. Experimental studies and prediction algorithms are not available or were not evaluated, and the functional significance of this variant is currently unknown.

NM_002471.4(MYH6):c.1663_1665del (p.Asp555del)

Gene: MYH6 (myosin heavy chain 6; minus strand). Cytogenetic location: 14q11.2.
Variant type: Deletion.
Coding change: c.1663_1665del on transcript NM_002471.4 (MANE Select); coding-DNA positions 1663 to 1665, 3 bases deleted (GAC; older notation c.1663_1665delGAC).
Protein change: p.Asp555del; deletes aspartic acid 555.
Molecular consequence: inframe deletion.
Genome position (GRCh38, 1-based): chr14:23,398,954-23,398,956, GTC deleted on the plus strand (GAC on the coding strand, the reverse complement: MYH6 is on the minus strand); deleting any 3 consecutive bases within chr14:23,398,954-23,398,958 gives the same sequence; the c. name uses the placement nearest the transcript's 3' end. VCF-style (leftmost placement, unchanged base first): chr14-23398953-TGTC-T. GRCh37 (hg19) VCF-style: chr14-23868162-TGTC-T.
Other names: short protein forms D555del.
Identifiers: ClinVar variation 2848457 (VCV002848457.3), dbSNP rs2502187741, ClinGen allele CA2739277760.